The following is an entry in ClinVar:

NM_004385.5(VCAN):c.1129A>G (p.Arg377Gly)

Gene: VCAN (versican; plus strand). Cytogenetic location: 5q14.3.
Variant type: single nucleotide variant.
Coding change: c.1129A>G on transcript NM_004385.5 (MANE Select); coding-DNA position 1129, A replaced by G.
Protein change: p.Arg377Gly; replaces arginine 377 with glycine.
Molecular consequence: missense variant. On other transcripts: intron variant (2).
Genome position (GRCh38, 1-based): chr5:83,519,435, A>G. VCF-style: chr5-83519435-A-G. GRCh37 (hg19) VCF-style: chr5-82815254-A-G.
Other names: c.1129A>G, p.Arg377Gly (NM_001164098.2); c.1042+7039A>G (NM_001164097.2, NM_001126336.3); short protein forms R377G.
Identifiers: ClinVar variation 942454 (VCV000942454.9), dbSNP rs1369422674, ClinGen allele CA360299080.

ClinVar aggregate classification (germline): Uncertain significance (1 of 4 stars; one submission).

Allele frequency attached by ClinVar (database versions not stated): gnomAD exomes below 0.00001 and 0.00001; gnomAD 0.00001.
gnomAD v4.1: 4 of 1,614,066 alleles (0.00025%); highest among the groups gnomAD compares: Non-Finnish European, 0.00034%; no homozygotes.

Submission:

Labcorp Genetics (formerly Invitae), Labcorp
Classification: Uncertain significance. Last evaluated: 2023-09-24. Review status: criteria provided, single submitter. Criteria: Invitae Variant Classification Sherloc (09022015). Collection method: clinical testing. Allele origin: germline.
Comment: Algorithms developed to predict the effect of sequence changes on RNA splicing suggest that this variant may create or strengthen a splice site. In summary, the available evidence is currently insufficient to determine the role of this variant in disease. Therefore, it has been classified as a Variant of Uncertain Significance. Algorithms developed to predict the effect of missense changes on protein structure and function output the following: SIFT: "Not Available"; PolyPhen-2: "Benign"; Align-GVGD: "Not Available". The glycine amino acid residue is found in multiple mammalian species, which suggests that this missense change does not adversely affect protein function. This sequence change replaces arginine, which is basic and polar, with glycine, which is neutral and non-polar, at codon 377 of the VCAN protein (p.Arg377Gly). This variant is present in population databases (no rsID available, gnomAD 0.002%). This variant has not been reported in the literature in individuals affected with VCAN-related conditions. ClinVar contains an entry for this variant (Variation ID: 942454).